The following is an entry in ClinVar:

NC_012920.1(MT-CO1):m.6237C>A

Gene: MT-CO1 (mitochondrially encoded cytochrome c oxidase I; plus strand).
Variant type: single nucleotide variant.
Genome position: chrM-6237-C-A.
Identifiers: ClinVar variation 692628 (VCV000692628.1), dbSNP rs1603220344, ClinGen allele CA414782662.

ClinVar aggregate classification (germline): Benign (1 of 4 stars; one submission).

Conditions:
Leigh syndrome (NULS). Also called: Leigh's necrotizing encephalopathy; Leigh's disease; Leigh Syndrome (mtDNA deletion); Leigh Disease; Subacute necrotizing encephalopathy; Necrotizing encephalopathy infantile subacute of Leigh. Identifiers: Orphanet 506, MedGen C2931891, MONDO:0009723, OMIM 256000.

Submission:

Wong Mito Lab, Molecular and Human Genetics, Baylor College of Medicine
Classification: Benign for Leigh syndrome. Last evaluated: 2019-10-17. Review status: criteria provided, single submitter. Criteria: Modified ACMG Guidelines (Unpublished). Collection method: clinical testing. Allele origin: germline.
Comment: The NC_012920.1:m.6237C>A (YP_003024028.1:p.Leu112Met) variant in MTCO1 gene is interpretated to be a Benign variant based on the modified ACMG guidelines (unpublished). This variant meets the following evidence codes: BS1, BS2